The following is an entry in ClinVar:

NM_000419.5(ITGA2B):c.2264G>C (p.Arg755Pro)

Gene: ITGA2B (integrin subunit alpha 2b; minus strand). Cytogenetic location: 17q21.31.
Variant type: single nucleotide variant.
Coding change: c.2264G>C on transcript NM_000419.5 (MANE Select); coding-DNA position 2264, G replaced by C.
Protein change: p.Arg755Pro; replaces arginine 755 with proline.
Molecular consequence: missense variant.
Genome position (GRCh38, 1-based): chr17:44,377,012, C>G on the plus strand (G>C on the coding strand, the complement: ITGA2B is on the minus strand). VCF-style: chr17-44377012-C-G. GRCh37 (hg19) VCF-style: chr17-42454380-C-G.
Other names: NM_000419.5:c.2264G>C; short protein forms R755P.
Identifiers: ClinVar variation 1691480 (VCV001691480.4), dbSNP rs763762304, ClinGen allele CA8602772.

ClinVar aggregate classification (germline): Uncertain significance. Review status: reviewed by expert panel (3 of 4 stars). 2 submissions from 2 submitters: Uncertain significance (1). 1 of the submissions does not count toward it. Last evaluated 2024-05-02.

Conditions:
Glanzmann thrombasthenia. Also called: PLATELET GLYCOPROTEIN IIb-IIIa DEFICIENCY; Glanzmann's thrombasthenia; BLEEDING DISORDER, PLATELET-TYPE, 2; THROMBASTHENIA OF GLANZMANN AND NAEGELI; Thrombasthenia. Identifiers: Orphanet 849, MedGen C0040015, MONDO:0100326.

Submissions (2):

ClinGen Platelet Disorders Variant Curation Expert Panel, ClinGen
Classification: Uncertain significance for Glanzmann thrombasthenia. Last evaluated: 2024-05-02. Review status: reviewed by expert panel. Criteria: ClinGen Platelet ACMG Specifications v2-1. Collection method: curation. Allele origin: germline. Inheritance: Autosomal recessive inheritance.
Comment: The NM_000419.5:c.2264G>C variant in ITGA2B is a missense variant predicted to cause substitution of arginine by proline at amino acid 755 (p.Arg755Pro). At least one patient (Patient PV in PMID: 12083483) with this variant displayed mucocutaneous bleeding and impaired aggregation with all agonists except ristocetin, which is highly specific for Glanzmann thrombasthenia. Additionally, αIIbβ3 surface expression was reduced to <10% as measured by flow cytometry (PP4_Moderate). This variant has been detected in at least 3 probands with Glanzmann thrombasthenia. For two of those individuals (GM and PV in PMID: 12083483), this variant was observed in homozygosity along with additional ITGA2B variants (c.1139G>A (p.Gly380Asp) in heterozygosity in GM; c.2264G>C (p.Arg755Pro) in homozygosity in both GM and PV) (not considered here due to complex genotypes). One additional proband (reported in PMID: 19172520) was homozygous for only this variant (PM3_supporting). This variant is absent from gnomADv4.0 (PM2_Supporting). In summary, this variant meets criteria to be classified as uncertain significance for autosomal recessive Glanzmann Thrombasthenia based on the ACMG/AMP criteria applied, as specified by the ClinGen PD-VCEP: PM2_Supporting, PM3_Supporting, PP4_Moderate.

Labcorp Genetics (formerly Invitae), Labcorp
Classification: Uncertain significance for Glanzmann thrombasthenia. Last evaluated: 2025-07-29. Review status: criteria provided, single submitter. Criteria: Invitae Variant Classification Sherloc (09022015). Collection method: clinical testing. Allele origin: germline. Not counted in ClinVar's aggregate classification.
Comment: This sequence change replaces arginine, which is basic and polar, with proline, which is neutral and non-polar, at codon 755 of the ITGA2B protein (p.Arg755Pro). This variant is present in population databases (rs763762304, gnomAD 0.001%). This missense change has been observed in individual(s) with Glanzmann thrombasthenia (PMID: 12083483). This variant is also known as R724P. ClinVar contains an entry for this variant (Variation ID: 1691480). Invitae Evidence Modeling of protein sequence and biophysical properties (such as structural, functional, and spatial information, amino acid conservation, physicochemical variation, residue mobility, and thermodynamic stability) indicates that this missense variant is expected to disrupt ITGA2B protein function with a positive predictive value of 95%. In summary, the available evidence is currently insufficient to determine the role of this variant in disease. Therefore, it has been classified as a Variant of Uncertain Significance.

Literature cited by the submitters: PubMed 12083483 (cited by Labcorp Genetics (formerly Invitae), Labcorp).